The following is an entry in ClinVar:

ClinVar aggregate classification (germline): Uncertain significance. Review status: criteria provided, multiple submitters, no conflicts (2 of 4 stars). 4 submissions from 4 submitters: Uncertain significance (4). Last evaluated 2024-11-01.

Conditions:
Autosomal recessive ataxia, Beauce type. Also called: SYNE1-Related Autosomal Recessive Cerebellar Ataxia; Spinocerebellar ataxia, autosomal recessive 8; SYNE1 Deficiency; ATAXIA, RECESSIVE, OF BEAUCE. Identifiers: Orphanet 88644, MedGen C1853116, MONDO:0012549, OMIM 610743.
Emery-Dreifuss muscular dystrophy 4, autosomal dominant (EDMD4). Also called: EMERY-DREIFUSS MUSCULAR DYSTROPHY 4 WITH VARIABLE FEATURES. Identifiers: Orphanet 261, MedGen C2751807, MONDO:0013071, OMIM 612998.

Allele frequency attached by ClinVar (database versions not stated): TOPMed 0.00001; 1000 Genomes Project 0.00020; 1000 Genomes Project 30x 0.00031.
gnomAD v4.1: 66 of 1,614,224 alleles (0.0041%); highest among the groups gnomAD compares: South Asian, 0.035%; no homozygotes.

Submissions (4):

Blueprint Genetics
Classification: Uncertain significance. Last evaluated: 2024-11-01. Review status: criteria provided, single submitter. Criteria: ACMG Guidelines, 2015. Collection method: clinical testing. Allele origin: germline.

Labcorp Genetics (formerly Invitae), Labcorp
Classification: Uncertain significance for Emery-Dreifuss muscular dystrophy 4, autosomal dominant; Autosomal recessive ataxia, Beauce type. Last evaluated: 2021-12-03. Review status: criteria provided, single submitter. Criteria: Invitae Variant Classification Sherloc (09022015). Collection method: clinical testing. Allele origin: germline.
Comment: This sequence change replaces valine, which is neutral and non-polar, with methionine, which is neutral and non-polar, at codon 3656 of the SYNE1 protein (p.Val3656Met). This variant is present in population databases (rs567753957, gnomAD 0.04%). This variant has not been reported in the literature in individuals affected with SYNE1-related conditions. ClinVar contains an entry for this variant (Variation ID: 283117). Algorithms developed to predict the effect of missense changes on protein structure and function are either unavailable or do not agree on the potential impact of this missense change (SIFT: "Deleterious"; PolyPhen-2: "Benign"; Align-GVGD: "Class C0"). In summary, the available evidence is currently insufficient to determine the role of this variant in disease. Therefore, it has been classified as a Variant of Uncertain Significance.

Revvity Omics, Revvity
Classification: Uncertain significance. Last evaluated: 2021-09-20. Review status: criteria provided, single submitter. Criteria: ACMG Guidelines, 2015. Collection method: clinical testing. Allele origin: germline.

Eurofins Ntd Llc (ga)
Classification: Uncertain significance. Last evaluated: 2015-09-09. Review status: criteria provided, single submitter. Criteria: EGL Classification Definitions 2015. Collection method: clinical testing. Allele origin: germline. Observed: 1 variant allele, 1 heterozygote.

NM_182961.4(SYNE1):c.11011G>A (p.Val3671Met)

Gene: SYNE1 (spectrin repeat containing nuclear envelope protein 1; minus strand). Cytogenetic location: 6q25.2.
Variant type: single nucleotide variant.
Coding change: c.11011G>A on transcript NM_182961.4 (MANE Select); coding-DNA position 11011, G replaced by A.
Protein change: p.Val3671Met; replaces valine 3671 with methionine.
Molecular consequence: missense variant.
Genome position (GRCh38, 1-based): chr6:152,353,660, C>T on the plus strand (G>A on the coding strand, the complement: SYNE1 is on the minus strand). VCF-style: chr6-152353660-C-T. GRCh37 (hg19) VCF-style: chr6-152674795-C-T.
Other names: c.10966G>A (NM_033071.3); c.10966G>A, p.Val3656Met (NM_033071.5); short protein forms V3656M, V3671M.
Identifiers: ClinVar variation 283117 (VCV000283117.11), dbSNP rs567753957, ClinGen allele CA4056811.